The following is an entry in ClinVar:

ClinVar aggregate classification (germline): Conflicting classifications of pathogenicity. Review status: criteria provided, conflicting classifications (1 of 4 stars). 2 submissions from 2 submitters: Uncertain significance (1); Likely benign (1). Last evaluated 2024-05-02.

Conditions:
Charcot-Marie-Tooth disease axonal type 2O. Also called: CHARCOT-MARIE-TOOTH NEUROPATHY, AXONAL, TYPE 2O; CHARCOT-MARIE-TOOTH DISEASE, AXONAL, AUTOSOMAL DOMINANT, TYPE 2O; Charcot-Marie-Tooth Neuropathy Type 2O; Charcot-Marie-Tooth disease, axonal, type 20. Identifiers: Orphanet 284232, MedGen C3280220, MONDO:0013644, OMIM 614228.

Allele frequency attached by ClinVar (database versions not stated): gnomAD 0.00001; gnomAD exomes 0.00001.
gnomAD v4.1: 10 of 1,614,248 alleles (0.00062%); highest among the groups gnomAD compares: Non-Finnish European, 0.00085%; no homozygotes.

Submissions (2):

Labcorp Genetics (formerly Invitae), Labcorp
Classification: Likely benign for Charcot-Marie-Tooth disease axonal type 2O. Last evaluated: 2024-05-02. Review status: criteria provided, single submitter. Criteria: Invitae Variant Classification Sherloc (09022015). Collection method: clinical testing. Allele origin: germline.

GeneDx
Classification: Uncertain significance. Last evaluated: 2019-08-30. Review status: criteria provided, single submitter. Criteria: GeneDx Variant Classification Process June 2021. Collection method: clinical testing. Allele origin: germline. Affected: yes.
Comment: In silico analysis, which includes protein predictors and evolutionary conservation, supports that this variant does not alter protein structure/function; Has not been previously published as pathogenic or benign to our knowledge

NM_001376.5(DYNC1H1):c.7297G>A (p.Val2433Ile)

Gene: DYNC1H1 (dynein cytoplasmic 1 heavy chain 1; plus strand). Cytogenetic location: 14q32.31.
Variant type: single nucleotide variant.
Coding change: c.7297G>A on transcript NM_001376.5 (MANE Select); coding-DNA position 7297, G replaced by A.
Protein change: p.Val2433Ile; replaces valine 2433 with isoleucine.
Molecular consequence: missense variant.
Genome position (GRCh38, 1-based): chr14:102,015,910, G>A. VCF-style: chr14-102015910-G-A. GRCh37 (hg19) VCF-style: chr14-102482247-G-A.
Other names: short protein forms V2433I.
Identifiers: ClinVar variation 851832 (VCV000851832.11), dbSNP rs1011204533, ClinGen allele CA266952054.
Genomic context (GRCh38, chr14:102,015,910, plus strand): 5'-TTCTAGATCCAAAGAGATGCAGCTACGATCATGCAACCGTACTTCACGTCCAACGGCCTG[G>A]TCACCAAGGCGCTAGAGCACGCCTTCCAGCTGGAGCACATCATGGACCTAACACGCCTGC-3'
Protein context (NP_001367.2, residues 2423-2443): MQPYFTSNGL[Val2433Ile]TKALEHAFQL